The following is an entry in ClinVar:

ClinVar aggregate classification (germline): Benign/Likely benign. Review status: criteria provided, multiple submitters, no conflicts (2 of 4 stars). 6 submissions from 6 submitters: Benign (1); Likely benign (5). Last evaluated 2026-01-13.

Conditions:
Inborn genetic diseases. Identifiers: MedGen C0950123, MeSH D030342.
Kufor-Rakeb syndrome (KRS). Also called: PARKINSON DISEASE 9, AUTOSOMAL RECESSIVE, JUVENILE-ONSET. Identifiers: Orphanet 306674, Orphanet 314632, MedGen C1847640, MONDO:0011706, OMIM 606693.
Autosomal recessive spastic paraplegia type 78. Identifiers: Orphanet 513436, MedGen C5567893, MONDO:0014975, OMIM 617225.

Allele frequency attached by ClinVar (database versions not stated): gnomAD exomes 0.00013 and 0.00028; ExAC 0.00034; 1000 Genomes Project 0.00040; 1000 Genomes Project 30x 0.00047; gnomAD 0.00098 and 0.00108; TOPMed 0.00111; ESP Exome Variant Server 0.00131.
gnomAD v4.1: 345 of 1,613,962 alleles (0.021%); highest among the groups gnomAD compares: African/African-American, 0.33%; 1 homozygote.

Submissions (6):

Labcorp Genetics (formerly Invitae), Labcorp
Classification: Likely benign for Kufor-Rakeb syndrome; Autosomal recessive spastic paraplegia type 78. Last evaluated: 2026-01-13. Review status: criteria provided, single submitter. Criteria: Invitae Variant Classification Sherloc (09022015). Collection method: clinical testing. Allele origin: germline.

Ambry Genetics
Classification: Likely benign for Inborn genetic diseases. Last evaluated: 2024-05-20. Review status: criteria provided, single submitter. Criteria: Ambry Variant Classification Scheme 2023. Collection method: clinical testing. Allele origin: germline.

Women's Health and Genetics/Laboratory Corporation of America, LabCorp
Classification: Likely benign. Last evaluated: 2024-02-08. Review status: criteria provided, single submitter. Criteria: LabCorp Variant Classification Summary - May 2015. Collection method: clinical testing. Allele origin: germline.
Comment: Variant summary: ATP13A2 c.2348G>A (p.Arg783Gln) results in a conservative amino acid change located in the P-type ATPase, haloacid dehalogenase domain (IPR044492) of the encoded protein sequence. Five of five in-silico tools predict a benign effect of the variant on protein function. The variant allele was found at a frequency of 0.00037 in 282148 control chromosomes, predominantly at a frequency of 0.0038 within the African or African-American subpopulation in the gnomAD database, including 1 homozygote. The observed variant frequency within African or African-American control individuals in the gnomAD database is approximately 20 fold of the estimated maximal expected allele frequency for a pathogenic variant in ATP13A2 causing Neurodegeneration With Brain Iron Accumulation phenotype (0.00019), strongly suggesting that the variant is a benign polymorphism found primarily in populations of African or African-American origin. To our knowledge, no occurrence of c.2348G>A in individuals affected with Neurodegeneration With Brain Iron Accumulation and no experimental evidence demonstrating its impact on protein function have been reported. ClinVar contains an entry for this variant (Variation ID: 465258). Based on the evidence outlined above, the variant was classified as likely benign.

Blueprint Genetics
Classification: Likely benign. Last evaluated: 2023-10-18. Review status: criteria provided, single submitter. Criteria: ACMG Guidelines, 2015. Collection method: clinical testing. Allele origin: germline.

GeneDx
Classification: Likely benign. Last evaluated: 2022-05-13. Review status: criteria provided, single submitter. Criteria: GeneDx Variant Classification Process June 2021. Collection method: clinical testing. Allele origin: germline. Affected: yes.
Comment: See Variant Classification Assertion Criteria.

Athena Diagnostics
Classification: Benign. Last evaluated: 2018-06-14. Review status: criteria provided, single submitter. Criteria: Athena Diagnostics Criteria. Collection method: clinical testing. Allele origin: germline.

NM_022089.4(ATP13A2):c.2348G>A (p.Arg783Gln)

Gene: ATP13A2 (ATPase cation transporting 13A2; minus strand). Cytogenetic location: 1p36.13.
Variant type: single nucleotide variant.
Coding change: c.2348G>A on transcript NM_022089.4 (MANE Select); coding-DNA position 2348, G replaced by A.
Protein change: p.Arg783Gln; replaces arginine 783 with glutamine.
Molecular consequence: missense variant.
Genome position (GRCh38, 1-based): chr1:16,990,191, C>T on the plus strand (G>A on the coding strand, the complement: ATP13A2 is on the minus strand). VCF-style: chr1-16990191-C-T. GRCh37 (hg19) VCF-style: chr1-17316686-C-T.
Other names: c.2333G>A, p.Arg778Gln (NM_001141973.3, NM_001141974.3); short protein forms R783Q, R778Q.
Identifiers: ClinVar variation 465258 (VCV000465258.23), dbSNP rs137955309, ClinGen allele CA636870.